The following is an entry in ClinVar:

NM_018133.4(MSL2):c.173C>T (p.Thr58Ile)

Gene: MSL2 (MSL complex subunit 2; minus strand). Cytogenetic location: 3q22.3.
Variant type: single nucleotide variant.
Coding change: c.173C>T on transcript NM_018133.4 (MANE Select); coding-DNA position 173, C replaced by T.
Protein change: p.Thr58Ile; replaces threonine 58 with isoleucine.
Molecular consequence: missense variant. On other transcripts: 5 prime UTR variant (1).
Genome position (GRCh38, 1-based): chr3:136,152,708, G>A on the plus strand (C>T on the coding strand, the complement: MSL2 is on the minus strand). VCF-style: chr3-136152708-G-A. GRCh37 (hg19) VCF-style: chr3-135871550-G-A.
Other names: c.-50C>T (NM_001145417.2); short protein forms T58I.
Identifiers: ClinVar variation 4885395 (VCV004885395.2).

ClinVar aggregate classification (germline): Uncertain significance (1 of 4 stars; one submission).

Submission:

Dasa
Classification: Uncertain significance. Last evaluated: 2026-02-19. Review status: criteria provided, single submitter. Criteria: DASA Assertion Criteria. Collection method: clinical testing. Allele origin: germline.
Comment: NM_018133.4(MSL2):c.173C>T (p.Thr58Ile) is a missense variant that results in the substitution of threonine with isoleucine. This variant is rare in population databases. Computational prediction algorithms are consistent with a benign effect. The currently available literature and clinical evidence are not sufficient to establish a definitive association between this variant and the reported condition. Therefore, this variant is classified as a variant of uncertain significance.